The following is an entry in ClinVar:

ClinVar aggregate classification (germline): Likely pathogenic (1 of 4 stars; one submission).

Conditions:
Developmental delay, impaired growth, dysmorphic facies, and axonal neuropathy. Identifiers: MedGen C5436781, MONDO:0030835, OMIM 619090.

Submission:

Clinical Biomedical Laboratory, Shriners Hospital For Children - Canada
Classification: Likely pathogenic for Developmental delay, impaired growth, dysmorphic facies, and axonal neuropathy. Review status: criteria provided, single submitter. Criteria: ACMG Guidelines, 2015. Collection method: clinical testing. Allele origin: germline. Affected: yes.
Comment: This variant is predicted to substitute a glycine residue by a tryptophan residue in MORC2. This variant is absent in the Genome Aggregation Database (gnomAD v2.1.1), indicating it is very rare. Computational tools (REVEL: 0.95) suggest that the amino acid change is deleterious to protein function. The gene is associated with ‘Developmental delay, impaired growth, dysmorphic facies, and axonal neuropathy’ and ‘Charcot-Marie-Tooth disease, axonal, type 2Z’, conditions that have significant overlap with the reported phenotype of the proband. Based on the ACMG variant interpretation guidelines (criteria: PM2, PP2, PP3), the available evidence supports classification of this variant as likely pathogenic.

NM_001303256.3(MORC2):c.301G>T (p.Gly101Trp)

Gene: MORC2 (MORC family CW-type zinc finger 2; minus strand). Cytogenetic location: 22q12.2.
Variant type: single nucleotide variant.
Coding change: c.301G>T on transcript NM_001303256.3 (MANE Select); coding-DNA position 301, G replaced by T.
Protein change: p.Gly101Trp; replaces glycine 101 with tryptophan.
Molecular consequence: missense variant.
Genome position (GRCh38, 1-based): chr22:30,949,768, C>A on the plus strand (G>T on the coding strand, the complement: MORC2 is on the minus strand). VCF-style: chr22-30949768-C-A. GRCh37 (hg19) VCF-style: chr22-31345754-C-A.
Other names: c.301G>T, p.Gly101Trp (NM_001303257.2); c.115G>T, p.Gly39Trp (NM_014941.3); short protein forms G101W, G39W.
Identifiers: ClinVar variation 4819353 (VCV004819353.1).